The following is an entry in ClinVar:

ClinVar aggregate classification (germline): Uncertain significance (1 of 4 stars; one submission).

gnomAD v4.1: 68 of 1,613,452 alleles (0.0042%); highest among the groups gnomAD compares: Non-Finnish European, 0.0053%; no homozygotes.

Submission:

Labcorp Genetics (formerly Invitae), Labcorp
Classification: Uncertain significance. Last evaluated: 2024-08-07. Review status: criteria provided, single submitter. Criteria: Invitae Variant Classification Sherloc (09022015). Collection method: clinical testing. Allele origin: germline.
Comment: This sequence change replaces proline, which is neutral and non-polar, with arginine, which is basic and polar, at codon 284 of the SUCLG2 protein (p.Pro284Arg). This variant is present in population databases (rs753043146, gnomAD 0.004%). This variant has not been reported in the literature in individuals affected with SUCLG2-related conditions. An algorithm developed to predict the effect of missense changes on protein structure and function (PolyPhen-2) suggests that this variant is likely to be disruptive. In summary, the available evidence is currently insufficient to determine the role of this variant in disease. Therefore, it has been classified as a Variant of Uncertain Significance.

NM_003848.4(SUCLG2):c.851C>G (p.Pro284Arg)

Gene: SUCLG2 (succinate-CoA ligase GDP-forming subunit beta; minus strand). Cytogenetic location: 3p14.1.
Variant type: single nucleotide variant.
Coding change: c.851C>G on transcript NM_003848.4 (MANE Select); coding-DNA position 851, C replaced by G.
Protein change: p.Pro284Arg; replaces proline 284 with arginine.
Molecular consequence: missense variant.
Genome position (GRCh38, 1-based): chr3:67,498,202, G>C on the plus strand (C>G on the coding strand, the complement: SUCLG2 is on the minus strand). VCF-style: chr3-67498202-G-C. GRCh37 (hg19) VCF-style: chr3-67548626-G-C.
Other names: c.851C>G, p.Pro284Arg (NM_001177599.2); short protein forms P284R.
Identifiers: ClinVar variation 3705771 (VCV003705771.2).